The following is an entry in ClinVar:

ClinVar aggregate classification (germline): Likely pathogenic. Review status: criteria provided, multiple submitters, no conflicts (2 of 4 stars). 2 submissions from 2 submitters: Likely pathogenic (2). Last evaluated 2024-12-10.

Conditions:
TECTA-related disorder. Also called: TECTA-related condition.

Allele frequency attached by ClinVar (database versions not stated): ExAC 0.00001; gnomAD exomes 0.00001.
gnomAD v4.1: 3 of 1,613,958 alleles (0.00019%); highest among the groups gnomAD compares: Non-Finnish European, 0.00025%; no homozygotes.

Submissions (2):

GeneDx
Classification: Likely pathogenic. Last evaluated: 2024-12-10. Review status: criteria provided, single submitter. Criteria: GeneDx Variant Classification Process June 2021. Collection method: clinical testing. Allele origin: germline. Affected: yes.
Comment: Reported in a patient with hearing loss who also harbored disease causing variants in another gene associated with hearing loss (PMID: 39161163); Canonical splice site variant predicted to result in a null allele in a gene for which loss of function is a known mechanism of disease; Not observed at significant frequency in large population cohorts (gnomAD); This variant is associated with the following publications: (PMID: 31589614, 39161163)

Blueprint Genetics
Classification: Likely pathogenic for TECTA-related disorders. Last evaluated: 2024-10-08. Review status: criteria provided, single submitter. Criteria: ACMG Guidelines, 2015. Collection method: clinical testing. Allele origin: germline. Affected: yes. Observed: 2 variant alleles.

NM_005422.4(TECTA):c.4977-1G>T

Genes: TBCEL-TECTA (TBCEL-TECTA readthrough; plus strand), TECTA (tectorin alpha; plus strand). Cytogenetic location: 11q23.3.
Variant type: single nucleotide variant.
Coding change: c.4977-1G>T on transcript NM_005422.4 (MANE Select); the canonical splice acceptor site of the intron before coding-DNA position 4977, G replaced by T.
Molecular consequence: splice acceptor variant. On other transcripts: intron variant (1).
Genome position (GRCh38, 1-based): chr11:121,162,074, G>T. VCF-style: chr11-121162074-G-T. GRCh37 (hg19) VCF-style: chr11-121032783-G-T.
Other names: c.5934-16G>T (NM_001378761.1).
Identifiers: ClinVar variation 421172 (VCV000421172.4), dbSNP rs746386175, ClinGen allele CA6327635.